The following is an entry in ClinVar:

ClinVar aggregate classification (germline): Uncertain significance (1 of 4 stars; one submission).

Allele frequency attached by ClinVar (database versions not stated): gnomAD exomes below 0.00001.
gnomAD v4.1: 3 of 1,614,108 alleles (0.00019%); highest among the groups gnomAD compares: Non-Finnish European, 0.00025%; no homozygotes.

Submission:

Labcorp Genetics (formerly Invitae), Labcorp
Classification: Uncertain significance. Last evaluated: 2023-05-09. Review status: criteria provided, single submitter. Criteria: Invitae Variant Classification Sherloc (09022015). Collection method: clinical testing. Allele origin: germline.
Comment: In summary, the available evidence is currently insufficient to determine the role of this variant in disease. Therefore, it has been classified as a Variant of Uncertain Significance. Advanced modeling of protein sequence and biophysical properties (such as structural, functional, and spatial information, amino acid conservation, physicochemical variation, residue mobility, and thermodynamic stability) performed at Invitae indicates that this missense variant is not expected to disrupt RHO protein function. This variant has not been reported in the literature in individuals affected with RHO-related conditions. This variant is not present in population databases (gnomAD no frequency). This sequence change replaces glycine, which is neutral and non-polar, with aspartic acid, which is acidic and polar, at codon 329 of the RHO protein (p.Gly329Asp).

NM_000539.3(RHO):c.986G>A (p.Gly329Asp)

Gene: RHO (rhodopsin; plus strand). Cytogenetic location: 3q22.1.
Variant type: single nucleotide variant.
Coding change: c.986G>A on transcript NM_000539.3 (MANE Select); coding-DNA position 986, G replaced by A.
Protein change: p.Gly329Asp; replaces glycine 329 with aspartic acid.
Molecular consequence: missense variant.
Genome position (GRCh38, 1-based): chr3:129,533,657, G>A. VCF-style: chr3-129533657-G-A. GRCh37 (hg19) VCF-style: chr3-129252500-G-A.
Other names: short protein forms G329D.
Identifiers: ClinVar variation 2862844 (VCV002862844.3), dbSNP rs2533029855, ClinGen allele CA354471173.